The following is an entry in ClinVar:

ClinVar aggregate classification (germline): Pathogenic (1 of 4 stars; one submission).

Conditions:
Diamond-Blackfan anemia. Also called: Blackfan Diamond syndrome; Aregenerative anemia chronic congenital; Red cell aplasia, pure hereditary; Congenital hypoplastic anemia; Aase syndrome. Identifiers: Orphanet 124, MedGen C1260899, MeSH D029503, MONDO:0015253, HP:0004810.

Submission:

Bertuch Lab, Baylor College of Medicine
Classification: Pathogenic for Diamond-Blackfan anemia. Review status: criteria provided, single submitter. Criteria: ACMG Guidelines, 2015. Collection method: research, in vitro. Allele origin: de novo, not applicable. Inheritance: Sporadic. Affected: yes. Observed: 1 heterozygote. Functional consequence: protein loss of function.
Comment: RPS20 is a component of the ribosome, which is central in the pathogenesis of DBA. The mutated residue, p.I84, is located within a highly evolutionarily conserved motif [R(I/V/T)HKR] and within a positively charged pocket. The pI84S mutation destabilizes the RPS20 protein, as levels of transiently overexpressed mutant RPS20 were markedly reduced relative to the wild type control. Lymphoblastoid cells bearing the RPS20 p.I84S variant exhibited an increased 28S/18S rRNA ratio and increased 21S/28S rRNA ratio consistent with a defect in the 40S ribosome subunit. Yeast bearing mutations of the cognate residue showed growth, ribosome biogenesis, and polysome defects, indicating an impairment of translation. In silico analyses from numerous predictions tools were consistent with the mutation being damaging and disease causing. In summary, this variant has strong evidence for being pathogenic according to ACMG 2015 guidelines and functional data and allelic data.

Literature cited by the submitters: PubMed 32790018.

NM_001023.4(RPS20):c.251T>G (p.Ile84Ser)

Gene: RPS20 (ribosomal protein S20; minus strand). Cytogenetic location: 8q12.1.
Variant type: single nucleotide variant.
Coding change: c.251T>G on transcript NM_001023.4 (MANE Select); coding-DNA position 251, T replaced by G.
Protein change: p.Ile84Ser; replaces isoleucine 84 with serine.
Molecular consequence: missense variant.
Genome position (GRCh38, 1-based): chr8:56,073,199, A>C on the plus strand (T>G on the coding strand, the complement: RPS20 is on the minus strand). VCF-style: chr8-56073199-A-C. GRCh37 (hg19) VCF-style: chr8-56985758-A-C.
Other names: c.251T>G, p.Ile84Ser (NM_001146227.3); short protein forms I84S.
Identifiers: ClinVar variation 981187 (VCV000981187.4), dbSNP rs1809815205, ClinGen allele CA371282987.
Genomic context (GRCh38, chr8:56,073,199, plus strand): 5'-ATGGAAGTAATCTGCTTAACAATCTCAGAAGGACTGTGCAAGTCAATGAGTCGCTTGTGA[A>C]TTCTCATCTGGAAACGATCCCACGTCTTAGAACCTTCACCACAAGGAGTTTTTCTTGTAG-3'
Protein context (NP_001014.1, residues 74-94): SKTWDRFQMR[Ile84Ser]HKRLIDLHSP